The following is an entry in ClinVar:

NM_000051.4(ATM):c.4808_4809del (p.Val1602_Tyr1603insTer)

Gene: ATM (ATM serine/threonine kinase; plus strand). Cytogenetic location: 11q22.3.
Variant type: Deletion.
Coding change: c.4808_4809del on transcript NM_000051.4 (MANE Select); coding-DNA positions 4808 to 4809, 2 bases deleted (AT; older notation c.4808_4809delAT).
Protein change: p.Val1602_Tyr1603insTer.
Molecular consequence: nonsense.
Genome position (GRCh38, 1-based): chr11:108,294,958-108,294,959, AT deleted; deleting any 2 consecutive bases within chr11:108,294,957-108,294,959 gives the same sequence; the c. name uses the placement nearest the transcript's 3' end. VCF-style (leftmost placement, unchanged base first): chr11-108294956-TTA-T. GRCh37 (hg19) VCF-style: chr11-108165683-TTA-T.
Other names: c.4808_4809del, p.Val1602_Tyr1603insTer (NM_001351834.2).
Identifiers: ClinVar variation 3148146 (VCV003148146.1), dbSNP rs2546942670, ClinGen allele CA2825001891.

ClinVar aggregate classification (germline): Pathogenic (1 of 4 stars; one submission).

Conditions:
Familial cancer of breast. Also called: BREAST CANCER, FAMILIAL; Hereditary breast cancer; hereditary breast carcinoma. Identifiers: Orphanet 227535, MedGen C0346153, MONDO:0016419, OMIM 114480. Disease mechanism: loss of function.

Submission:

Myriad Genetics, Inc.
Classification: Pathogenic for Familial cancer of breast. Last evaluated: 2024-01-24. Review status: criteria provided, single submitter. Criteria: Myriad Autosomal Dominant, Autosomal Recessive and X-Linked Classification Criteria (2023). Collection method: clinical testing. Allele origin: unknown.
Comment: This variant is considered pathogenic. This variant creates a termination codon and is predicted to result in premature protein truncation.